The following is an entry in ClinVar:

ClinVar aggregate classification (germline): Uncertain significance (1 of 4 stars; one submission).

Submission:

GeneDx
Classification: Uncertain significance. Last evaluated: 2017-12-11. Review status: criteria provided, single submitter. Criteria: GeneDx Variant Classification (06012015). Collection method: clinical testing. Allele origin: germline. Affected: yes.
Comment: A variant of uncertain significance has been identified in the PKP2 gene. The C416R variant has notbeen published as pathogenic or been reported as benign to our knowledge. This variant is not observedin large population cohorts (Lek et al., 2016). The C416R variant is a non-conservative amino acidsubstitution, which is likely to impact secondary protein structure as these residues differ in polarity,charge, size and/or other properties. Furthermore, in-silico analyses, including protein predictors andevolutionary conservation, support a deleterious effect. Nevertheless, this variant lacks observation ina significant number of affected individuals, segregation data, and functional evidence, which wouldfurther clarify its pathogenicity.

NM_001005242.3(PKP2):c.1246T>C (p.Cys416Arg)

Gene: PKP2 (plakophilin 2; minus strand). Cytogenetic location: 12p11.21.
Variant type: single nucleotide variant.
Coding change: c.1246T>C on transcript NM_001005242.3 (MANE Select); coding-DNA position 1246, T replaced by C.
Protein change: p.Cys416Arg; replaces cysteine 416 with arginine.
Molecular consequence: missense variant.
Genome position (GRCh38, 1-based): chr12:32,850,898, A>G on the plus strand (T>C on the coding strand, the complement: PKP2 is on the minus strand). VCF-style: chr12-32850898-A-G. GRCh37 (hg19) VCF-style: chr12-33003832-A-G.
Other names: c.1246T>C, p.Cys416Arg (NM_004572.4); short protein forms C416R.
Identifiers: ClinVar variation 432544 (VCV000432544.2), dbSNP rs1555145510, ClinGen allele CA384370528.
Genomic context (GRCh38, chr12:32,850,898, plus strand): 5'-GTTCAGCCACCTCCAATTTGTTGTCATTGTCTTCAAATACTAAGTTTCTCAAGGCCCCAC[A>G]CACAGCTCGCTGAACGTCTTCATTCTGAACTTTTAGGAGCTGCAGAAGCTTGAGGATGCC-3'
Protein context (NP_001005242.2, residues 406-426): VQNEDVQRAV[Cys416Arg]GALRNLVFED